The following is an entry in ClinVar:

ClinVar aggregate classification (germline): Benign/Likely benign. Review status: criteria provided, multiple submitters, no conflicts (2 of 4 stars). 7 submissions from 7 submitters: Benign (1); Likely benign (5). 1 of the submissions does not count toward it. Last evaluated 2026-06-01.

Conditions:
PLEC-related disorder. Also called: PLEC-related condition; PLEC-related disorders.
Epidermolysis bullosa simplex 5C, with pyloric atresia (EBS5C). Also called: Epidermolysis bullosa simplex with pyloric atresia; PLEC1-Related Epidermolysis Bullosa with Pyloric Atresia; PLEC-Related Epidermolysis Bullosa with Pyloric Atresia. Identifiers: Orphanet 158684, MedGen C2677349, MONDO:0012807, OMIM 612138.
Autosomal recessive limb-girdle muscular dystrophy type 2Q (LGMDR17). Also called: MUSCULAR DYSTROPHY, LIMB-GIRDLE, AUTOSOMAL RECESSIVE 17. Identifiers: Orphanet 254361, MedGen C3150989, MONDO:0013390, OMIM 613723.
Epidermolysis bullosa simplex 5B, with muscular dystrophy (EBS5B). Also called: Epidermolysis bullosa simplex with muscular dystrophy; EPIDERMOLYSIS BULLOSA SIMPLEX AND LIMB-GIRDLE MUSCULAR DYSTROPHY. Identifiers: Orphanet 257, MedGen C2931072, MONDO:0009181, OMIM 226670.
Epidermolysis bullosa simplex with nail dystrophy (EBS5D). Identifiers: MedGen C4225309, MONDO:0014661, OMIM 616487.
Epidermolysis bullosa simplex, Ogna type (EBS5A). Also called: EPIDERMOLYSIS BULLOSA SIMPLEX 5A, OGNA TYPE; Pidermolysis bullosa simplex 5A, Ogna type. Identifiers: Orphanet 79401, MedGen C0432317, MONDO:0007555, OMIM 131950.

Allele frequency attached by ClinVar (database versions not stated): gnomAD exomes 0.00089; ExAC 0.00098; 1000 Genomes Project 30x 0.00187; 1000 Genomes Project 0.00200; ESP Exome Variant Server 0.00234; gnomAD 0.00337 and 0.00374; TOPMed 0.00391.
gnomAD v4.1: 1,096 of 1,613,322 alleles (0.068%); highest among the groups gnomAD compares: African/African-American, 1.1%; 4 homozygotes.

Submissions (7):

CeGaT Center for Human Genetics Tuebingen
Classification: Likely benign. Last evaluated: 2026-06-01. Review status: criteria provided, single submitter. Criteria: CeGaT Center For Human Genetics Tuebingen Variant Classification Criteria Version 2. Collection method: clinical testing. Allele origin: germline. Affected: yes. Observed: 4 variant alleles.
Comment: PLEC: BP4

Labcorp Genetics (formerly Invitae), Labcorp
Classification: Benign for Autosomal recessive limb-girdle muscular dystrophy type 2Q; Epidermolysis bullosa simplex, Ogna type; Epidermolysis bullosa simplex with nail dystrophy; Epidermolysis bullosa simplex 5C, with pyloric atresia; Epidermolysis bullosa simplex 5B, with muscular dystrophy. Last evaluated: 2026-01-28. Review status: criteria provided, single submitter. Criteria: Invitae Variant Classification Sherloc (09022015). Collection method: clinical testing. Allele origin: germline.

Blueprint Genetics
Classification: Likely benign. Last evaluated: 2024-11-25. Review status: criteria provided, single submitter. Criteria: ACMG Guidelines, 2015. Collection method: clinical testing. Allele origin: germline.

GeneDx
Classification: Likely benign. Last evaluated: 2019-09-20. Review status: criteria provided, single submitter. Criteria: GeneDx Variant Classification Process June 2021. Collection method: clinical testing. Allele origin: germline. Affected: yes.

Athena Diagnostics
Classification: Likely benign. Last evaluated: 2016-12-12. Review status: criteria provided, single submitter. Criteria: Athena Diagnostics Criteria. Collection method: clinical testing. Allele origin: germline.

Breakthrough Genomics
Classification: Likely benign. Review status: criteria provided, single submitter. Criteria: ACMG Guidelines, 2015. Collection method: not provided. Allele origin: germline. Inheritance: Autosomal recessive inheritance. Affected: yes.

PreventionGenetics, part of Exact Sciences
Classification: Benign for PLEC-related condition. Last evaluated: 2024-09-17. Review status: no assertion criteria provided. Collection method: clinical testing. Allele origin: germline. Not counted in ClinVar's aggregate classification.
Comment: This variant is classified as benign based on ACMG/AMP sequence variant interpretation guidelines (Richards et al. 2015 PMID: 25741868, with internal and published modifications).

NM_201384.3(PLEC):c.9895C>T (p.Arg3299Trp)

Gene: PLEC (plectin; minus strand). Cytogenetic location: 8q24.3.
Variant type: single nucleotide variant.
Coding change: c.9895C>T on transcript NM_201384.3 (MANE Select); coding-DNA position 9895, C replaced by T.
Protein change: p.Arg3299Trp; replaces arginine 3299 with tryptophan.
Molecular consequence: missense variant.
Genome position (GRCh38, 1-based): chr8:143,919,926, G>A on the plus strand (C>T on the coding strand, the complement: PLEC is on the minus strand). VCF-style: chr8-143919926-G-A. GRCh37 (hg19) VCF-style: chr8-144994094-G-A.
Other names: c.9976C>T, p.Arg3326Trp (NM_000445.5); c.9853C>T, p.Arg3285Trp (NM_201378.4); c.9829C>T, p.Arg3277Trp (NM_201379.3); c.10306C>T, p.Arg3436Trp (NM_201380.4); c.9799C>T, p.Arg3267Trp (NM_201381.3); c.9895C>T, p.Arg3299Trp (NM_201382.4); c.9907C>T, p.Arg3303Trp (NM_201383.3); short protein forms R3267W, R3277W, R3285W, R3299W, R3303W, R3326W, R3436W.
Identifiers: ClinVar variation 378370 (VCV000378370.39), dbSNP rs142805337, ClinGen allele CA4924821.